The following is an entry in ClinVar:

NM_000090.4(COL3A1):c.2917C>T (p.Pro973Ser)

Gene: COL3A1 (collagen type III alpha 1 chain; plus strand). Cytogenetic location: 2q32.2.
Variant type: single nucleotide variant.
Coding change: c.2917C>T on transcript NM_000090.4 (MANE Select); coding-DNA position 2917, C replaced by T.
Protein change: p.Pro973Ser; replaces proline 973 with serine.
Molecular consequence: missense variant.
Genome position (GRCh38, 1-based): chr2:189,004,350, C>T. VCF-style: chr2-189004350-C-T. GRCh37 (hg19) VCF-style: chr2-189869076-C-T.
Other names: short protein forms P973S.
Identifiers: ClinVar variation 628181 (VCV000628181.7), dbSNP rs1559060895, ClinGen allele CA349844630.

ClinVar aggregate classification (germline): Uncertain significance. Review status: criteria provided, multiple submitters, no conflicts (2 of 4 stars). 2 submissions from 2 submitters: Uncertain significance (2). Last evaluated 2024-05-13.

Conditions:
Familial thoracic aortic aneurysm and aortic dissection (TAAD). Also called: Thoracic aortic aneurysms and dissections. Identifiers: Orphanet 91387, MedGen C4707243, MONDO:0019625.
Ehlers-Danlos syndrome, type 4 (EDSVASC). Also called: Ehlers-Danlos syndrome vascular type; Ehlers Danlos syndrome, ecchymotic type; Ehlers Danlos syndrome, arterial type; Ehlers Danlos syndrome, Sack-Barabas type; Ehlers-Danlos Syndrome Type IV. Identifiers: Orphanet 286, MedGen C0268338, MONDO:0017314, OMIM 130050.

Allele frequency attached by ClinVar (database versions not stated): gnomAD exomes below 0.00001.
gnomAD v4.1: 1 of 1,597,726 alleles (0.000063%); highest among the groups gnomAD compares: Non-Finnish European, 0.000085%; no homozygotes.

Submissions (2):

All of Us Research Program, National Institutes of Health
Classification: Uncertain significance for Ehlers-Danlos syndrome, type 4. Last evaluated: 2024-05-13. Review status: criteria provided, single submitter. Criteria: ACMG Guidelines, 2015. Collection method: clinical testing. Allele origin: germline. Inheritance: Autosomal dominant inheritance. Observed: 1 variant allele, 1 heterozygote.
Comment: Variant of Uncertain Significance due to insufficient evidence: This missense variant replaces proline with serine at codon 973 of the COL3A1 protein. Computational prediction tools and conservation analyses are inconclusive regarding the impact of this variant on the protein function. Computational splicing tools suggest that this variant may not impact RNA splicing. To our knowledge, functional assays have not been performed for this variant nor has the variant been reported in individuals affected with cardiovascular disorders in the literature. This variant has been identified in 0/277264 chromosomes in the general population by the Genome Aggregation Database (gnomAD). Available evidence is insufficient to determine the role of this variant in disease conclusively.

This study involves interpretation of variants in research participants for the purpose of population health screening. Participant phenotype was not available at the time of variant classification. Additional details can be found in publication PMID: 35346344, PMCID: PMC8962531

Color Diagnostics, LLC DBA Color Health
Classification: Uncertain significance for Familial thoracic aortic aneurysm and aortic dissection. Last evaluated: 2023-12-05. Review status: criteria provided, single submitter. Criteria: ACMG Guidelines, 2015. Collection method: clinical testing. Allele origin: germline.
Comment: Variant of Uncertain Significance due to insufficient evidence: This missense variant replaces proline with serine at codon 973 of the COL3A1 protein. Computational prediction tools and conservation analyses are inconclusive regarding the impact of this variant on the protein function. Computational splicing tools suggest that this variant may not impact RNA splicing. To our knowledge, functional assays have not been performed for this variant nor has the variant been reported in individuals affected with cardiovascular disorders in the literature. This variant has been identified in 0/277264 chromosomes in the general population by the Genome Aggregation Database (gnomAD). Available evidence is insufficient to determine the role of this variant in disease conclusively.